The following is an entry in ClinVar:

ClinVar aggregate classification (germline): Conflicting classifications of pathogenicity. Review status: criteria provided, conflicting classifications (1 of 4 stars). 8 submissions from 8 submitters: Uncertain significance (4); Likely benign (3). 1 of the submissions does not count toward it. Last evaluated 2026-07-08.

Conditions:
LHX3-related disorder. Also called: LHX3-related condition.
Combined pituitary hormone deficiencies, genetic form. Also called: Pituitary hormone deficiency, combined. Identifiers: Orphanet 95494, MedGen C4273747, MONDO:0013099.
Non-acquired combined pituitary hormone deficiency with spine abnormalities (CPHD3). Also called: Winkelman Bethge Pfeiffer syndrome; WBP syndrome; Combined pituitary hormone deficiency type 3. Identifiers: Orphanet 231720, MedGen C3489787, MONDO:0009091, OMIM 221750.

Allele frequency attached by ClinVar (database versions not stated): 1000 Genomes Project 0.00020; 1000 Genomes Project 30x 0.00062; ESP Exome Variant Server 0.00072; gnomAD 0.00073; TOPMed 0.00078.
gnomAD v4.1: 2,134 of 1,548,308 alleles (0.14%); highest among the groups gnomAD compares: Non-Finnish European, 0.18%; 2 homozygotes.

Submissions (8):

PreventionGenetics, part of Exact Sciences
Classification: Uncertain significance for LHX3-related condition. Last evaluated: 2026-07-08. Review status: criteria provided, single submitter. Criteria: ACMG Guidelines, 2015. Collection method: clinical testing. Allele origin: germline.
Comment: The LHX3 c.935G>C variant is predicted to result in the amino acid substitution p.Arg312Pro. This variant was previously described in a patient with pituitary aplasia; however, the variant was also identified in the patient's healthy father and sister (Sobrier et al. 2006. PubMed ID: 16940453). This variant is reported in 0.13% of alleles in individuals of European (Non-Finnish) descent in gnomAD, which may be too frequent to be a primary cause of disease. Although we suspect that this variant may be benign, at this time, the clinical significance of this variant is uncertain due to the absence of conclusive functional and genetic evidence.

Women's Health and Genetics/Laboratory Corporation of America, LabCorp
Classification: Likely benign. Last evaluated: 2024-11-27. Review status: criteria provided, single submitter. Criteria: LabCorp Variant Classification Summary - May 2015. Collection method: clinical testing. Allele origin: germline.
Comment: Variant summary: LHX3 c.935G>C (p.Arg312Pro) results in a non-conservative amino acid change in the encoded protein sequence. Four of five in-silico tools predict a benign effect of the variant on protein function. The variant allele was found at a frequency of 0.0014 in 1541942 control chromosomes, predominantly at a frequency of 0.0018 within the Non-Finnish European subpopulation in the gnomAD database (v4.1 dataset), including 2 homozygotes. The observed variant frequency within Non-Finnish European control individuals in the gnomAD database is approximately 1.44-fold of the estimated maximal expected allele frequency for a pathogenic variant in LHX3 causing Combined Pituitary Hormone Deficiency phenotype (0.0013). The variant, c.935G>C, has been reported in the literature in heterozygous state in individuals affected with Combined Pituitary Hormone Deficiency, however it was also found in unaffected family members, and unrelated healthy controls (Sobrier_2006, de Graaff_2010), in addition, one of the reported patients also had a biallelic loss of function variant in a different gene, which could potentially explain the phenotype (Sobrier_2006). One of these studies also reported no effect for the variant on the transcriptional capability of the LHX3 protein, but no experimental details were provided for independent evaluation (Sobrier_2006). The following publications have been ascertained in the context of this evaluation (PMID: 16940453, 20389107). ClinVar contains an entry for this variant (Variation ID: 279837). Based on the evidence outlined above, the variant was classified as likely benign.

Blueprint Genetics
Classification: Likely benign. Last evaluated: 2024-11-21. Review status: criteria provided, single submitter. Criteria: ACMG Guidelines, 2015. Collection method: clinical testing. Allele origin: germline.

Labcorp Genetics (formerly Invitae), Labcorp
Classification: Uncertain significance. Last evaluated: 2022-03-04. Review status: criteria provided, single submitter. Criteria: Invitae Variant Classification Sherloc (09022015). Collection method: clinical testing. Allele origin: germline.
Comment: This sequence change replaces arginine, which is basic and polar, with proline, which is neutral and non-polar, at codon 312 of the LHX3 protein (p.Arg312Pro). This variant is present in population databases (rs182345541, gnomAD 0.1%), and has an allele count higher than expected for a pathogenic variant. This variant has not been reported in the literature in individuals affected with LHX3-related conditions. ClinVar contains an entry for this variant (Variation ID: 279837). Algorithms developed to predict the effect of missense changes on protein structure and function are either unavailable or do not agree on the potential impact of this missense change (SIFT: "Not Available"; PolyPhen-2: "Benign"; Align-GVGD: "Not Available"). In summary, the available evidence is currently insufficient to determine the role of this variant in disease. Therefore, it has been classified as a Variant of Uncertain Significance.

Fulgent Genetics
Classification: Uncertain significance for Non-acquired combined pituitary hormone deficiency with spine abnormalities. Last evaluated: 2018-10-31. Review status: criteria provided, single submitter. Criteria: ACMG Guidelines, 2015. Collection method: clinical testing. Allele origin: unknown.

Illumina Laboratory Services, Illumina
Classification: Likely benign for Non-acquired combined pituitary hormone deficiency with spine abnormalities. Last evaluated: 2017-04-27. Review status: criteria provided, single submitter. Criteria: ICSL Variant Classification Criteria 13 December 2019. Collection method: clinical testing. Allele origin: germline.
Comment: This variant was observed as part of a predisposition screen in an ostensibly healthy population. A literature search was performed for the gene, cDNA change, and amino acid change (where applicable). Publications were found based on this search. The evidence from the literature, in combination with allele frequency data from public databases where available, was sufficient to determine this variant is unlikely to cause disease. Therefore, this variant is classified as likely benign.

GeneDx
Classification: Uncertain significance. Last evaluated: 2016-07-20. Review status: criteria provided, single submitter. Criteria: GeneDx Variant Classification (06012015). Collection method: clinical testing. Allele origin: germline. Affected: yes.
Comment: The R312P variant in the LHX3 gene has been reported previously in one individual with pituitary aplasia; however, no second LHX3 variant was identified, and R312P was also present in the heterozygous state in this individual's unaffected father and sister (Sobrier et al., 2006). The R312P variant was not observed at any significant frequency in approximately 6300 individuals of European and African American ancestry in the NHLBI Exome Sequencing Project, indicating it is not a common benign variant in these populations. The R312P variant is a non-conservative amino acid substitution, which is likely to impact secondary protein structure as these residues differ in polarity, charge, size and/or other properties. However, this substitution occurs at a position that is not conserved, and in silico analysis predicts this variant likely does not alter the protein structure/function. We interpret R312P as a variant of uncertain significance.

Natera, Inc.
Classification: Uncertain significance for Combined pituitary hormone deficiency. Last evaluated: 2019-12-24. Review status: no assertion criteria provided. Collection method: clinical testing. Allele origin: germline. Not counted in ClinVar's aggregate classification.

Literature cited by the submitters: PubMed 16940453 (cited by Women's Health and Genetics/Laboratory Corporation of America, LabCorp and Illumina Laboratory Services, Illumina); PubMed 20389107 (cited by Women's Health and Genetics/Laboratory Corporation of America, LabCorp).

NM_178138.6(LHX3):c.920G>C (p.Arg307Pro)

Gene: LHX3 (LIM homeobox 3; minus strand). Cytogenetic location: 9q34.3.
Variant type: single nucleotide variant.
Coding change: c.920G>C on transcript NM_178138.6 (MANE Select); coding-DNA position 920, G replaced by C.
Protein change: p.Arg307Pro; replaces arginine 307 with proline.
Molecular consequence: missense variant.
Genome position (GRCh38, 1-based): chr9:136,197,599, C>G on the plus strand (G>C on the coding strand, the complement: LHX3 is on the minus strand). VCF-style: chr9-136197599-C-G. GRCh37 (hg19) VCF-style: chr9-139089445-C-G.
Other names: c.935G>C (NM_014564.4); c.887G>C, p.Arg296Pro (NM_001363746.1); c.935G>C, p.Arg312Pro (NM_014564.5); short protein forms R307P, R312P, R296P.
Identifiers: ClinVar variation 279837 (VCV000279837.15), dbSNP rs182345541, ClinGen allele CA5330291.